The following is an entry in ClinVar:

ClinVar aggregate classification (germline): Uncertain significance (1 of 4 stars; one submission).

Conditions:
Choanal atresia-athelia-hypothyroidism-delayed puberty-short stature syndrome (BCAHH). Also called: BRANCHIAL ARCH ABNORMALITIES, CHOANAL ATRESIA, ATHELIA, HEARING LOSS, AND HYPOTHYROIDISM SYNDROME. Identifiers: Orphanet 589856, MedGen C5680310, MONDO:0035651, OMIM 620186.
Kabuki syndrome 1 (KABUK1). Also called: KMT2D-Related Kabuki Syndrome. Identifiers: Orphanet 2322, MedGen CN030661, MONDO:0007843, OMIM 147920.

gnomAD v4.1: 8 of 1,599,594 alleles (0.0005%); highest among the groups gnomAD compares: East Asian, 0.018%; no homozygotes.

Submission:

Juno Genomics, Hangzhou Juno Genomics, Inc
Classification: Uncertain significance for Choanal atresia-athelia-hypothyroidism-delayed puberty-short stature syndrome; Kabuki syndrome 1. Review status: criteria provided, single submitter. Criteria: ACMG Guidelines, 2015. Collection method: clinical testing. Allele origin: germline.
Comment: Absent from controls (or at extremely low frequency if recessive) in Genome Aggregation Database.;Missense variant in a gene that has a low rate of benign missense variation.

NM_003482.4(KMT2D):c.734C>G (p.Thr245Ser)

Gene: KMT2D (lysine methyltransferase 2D; minus strand). Cytogenetic location: 12q13.12.
Variant type: single nucleotide variant.
Coding change: c.734C>G on transcript NM_003482.4 (MANE Select); coding-DNA position 734, C replaced by G.
Protein change: p.Thr245Ser; replaces threonine 245 with serine.
Molecular consequence: missense variant.
Genome position (GRCh38, 1-based): chr12:49,053,581, G>C on the plus strand (C>G on the coding strand, the complement: KMT2D is on the minus strand). VCF-style: chr12-49053581-G-C. GRCh37 (hg19) VCF-style: chr12-49447364-G-C.
Other names: short protein forms T245S.
Identifiers: ClinVar variation 5005120 (VCV005005120.2).